The following is an entry in ClinVar:

NM_016034.5(MRPS2):c.736G>A (p.Val246Met)

Genes: MRPS2 (mitochondrial ribosomal protein S2; plus strand), LOC101928525 (uncharacterized LOC101928525; minus strand). Cytogenetic location: 9q34.3.
Variant type: single nucleotide variant.
Coding change: c.736G>A on transcript NM_016034.5 (MANE Select); coding-DNA position 736, G replaced by A.
Protein change: p.Val246Met; replaces valine 246 with methionine.
Molecular consequence: missense variant. On other transcripts: non-coding transcript variant (4).
Genome position (GRCh38, 1-based): chr9:135,503,978, G>A. VCF-style: chr9-135503978-G-A. GRCh37 (hg19) VCF-style: chr9-138395824-G-A.
Other names: c.736G>A, p.Val246Met (NM_001371401.1); short protein forms V246M.
Identifiers: ClinVar variation 3377578 (VCV003377578.1).

ClinVar aggregate classification (germline): Uncertain significance (1 of 4 stars; one submission).

Conditions:
Combined oxidative phosphorylation deficiency 36 (COXPD36). Identifiers: MedGen C4693722, MONDO:0054781, OMIM 617950.

gnomAD v4.1: 30 of 1,613,722 alleles (0.0019%); highest among the groups gnomAD compares: South Asian, 0.03%; no homozygotes.

Submission:

Neuberg Centre For Genomic Medicine, NCGM
Classification: Uncertain significance for Combined oxidative phosphorylation deficiency 36. Last evaluated: 2023-06-22. Review status: criteria provided, single submitter. Criteria: ACMG Guidelines, 2015. Collection method: clinical testing. Allele origin: germline. Inheritance: Autosomal recessive inheritance. Affected: yes.
Comment: The observed missense c.736G>A(p.Val246Met) variant in MRPS2 gene has not been reported previously as a pathogenic variant nor a benign variant, to our knowledge. The p.Val246Met variant has been reported with allele frequency of 0.002% in gnomAD Exomes. This variant has not been submitted to the ClinVar database. Multiple lines of computational evidences (Polyphen - Possibly damaging, SIFT - Tolerated and MutationTaster - Polymorphism) predict conflicting evidence on protein structure and function for this variant. The reference amino acid change at this position on MRPS2 gene is predicted as conserved by GERP++. The amino acid Val at position 246 is changed to a Met changing protein sequence and it might alter its composition and physico-chemical properties. For these reasons, this variant has been classified as a Variant of Uncertain Significance (VUS).